The following is an entry in ClinVar:

NM_013275.6(ANKRD11):c.1069A>G (p.Arg357Gly)

Gene: ANKRD11 (ankyrin repeat domain containing 11; minus strand). Cytogenetic location: 16q24.3.
Variant type: single nucleotide variant.
Coding change: c.1069A>G on transcript NM_013275.6 (MANE Select); coding-DNA position 1069, A replaced by G.
Protein change: p.Arg357Gly; replaces arginine 357 with glycine.
Molecular consequence: missense variant.
Genome position (GRCh38, 1-based): chr16:89,285,473, T>C on the plus strand (A>G on the coding strand, the complement: ANKRD11 is on the minus strand). VCF-style: chr16-89285473-T-C. GRCh37 (hg19) VCF-style: chr16-89351881-T-C.
Other names: c.1069A>G, p.Arg357Gly (NM_001256182.2, NM_001256183.2); short protein forms R357G.
Identifiers: ClinVar variation 3368796 (VCV003368796.1).

ClinVar aggregate classification (germline): Uncertain significance (1 of 4 stars; one submission).

Submission:

GeneDx
Classification: Uncertain significance. Last evaluated: 2024-02-07. Review status: criteria provided, single submitter. Criteria: GeneDx Variant Classification Process June 2021. Collection method: clinical testing. Allele origin: germline. Affected: yes.
Comment: Not observed at significant frequency in large population cohorts (gnomAD); In silico analysis supports that this missense variant has a deleterious effect on protein structure/function; Has not been previously published as pathogenic or benign to our knowledge